The following is an entry in ClinVar:

NM_001370259.2(MEN1):c.1462A>T (p.Lys488Ter)

Gene: MEN1 (menin 1; minus strand). Cytogenetic location: 11q13.1.
Variant type: single nucleotide variant.
Coding change: c.1462A>T on transcript NM_001370259.2 (MANE Select); coding-DNA position 1462, A replaced by T.
Protein change: p.Lys488Ter; replaces lysine 488 with a stop codon.
Molecular consequence: nonsense. On other transcripts: non-coding transcript variant (4).
Genome position (GRCh38, 1-based): chr11:64,804,705, T>A on the plus strand (A>T on the coding strand, the complement: MEN1 is on the minus strand). VCF-style: chr11-64804705-T-A. GRCh37 (hg19) VCF-style: chr11-64572177-T-A.
Other names: c.1477A>T, p.Lys493Ter (NM_130801.3, NM_130802.3, NM_130803.3 and 4 more transcripts); c.1588A>T, p.Lys530Ter (NM_001370251.2, NM_001407142.1, NM_001407143.1 and 1 more transcripts); c.1462A>T, p.Lys488Ter (NM_001370260.2, NM_001370261.2, NM_001407146.1 and 2 more transcripts); c.1357A>T, p.Lys453Ter (NM_001370262.2, NM_001370263.2, NM_001407148.1 and 1 more transcripts); c.1603A>T, p.Lys535Ter (NM_001407150.1); c.1483A>T, p.Lys495Ter (NM_001407151.1); c.1297A>T, p.Lys433Ter (NM_001407152.1); short protein forms K433*, K488*, K493*, K530*, K453*, K495*, K535*.
Identifiers: ClinVar variation 3724044 (VCV003724044.2).

ClinVar aggregate classification (germline): Pathogenic (1 of 4 stars; one submission).

Conditions:
Multiple endocrine neoplasia, type 1 (MEN1). Also called: MEN I; WERMER SYNDROME; Endocrine adenomatosis multiple; MEN 1; MEA I. Identifiers: Orphanet 652, MedGen C0025267, MeSH D018761, MONDO:0007540, OMIM 131100.

Submission:

Labcorp Genetics (formerly Invitae), Labcorp
Classification: Pathogenic for Multiple endocrine neoplasia, type 1. Last evaluated: 2025-02-07. Review status: criteria provided, single submitter. Criteria: Invitae Variant Classification Sherloc (09022015). Collection method: clinical testing. Allele origin: germline.
Comment: This sequence change creates a premature translational stop signal (p.Lys488*) in the MEN1 gene. While this is not anticipated to result in nonsense mediated decay, it is expected to disrupt the last 123 amino acid(s) of the MEN1 protein. This variant is not present in population databases (gnomAD no frequency). This variant has not been reported in the literature in individuals affected with MEN1-related conditions. This variant disrupts a region of the MEN1 protein in which other variant(s) (p.Thr580Argfs*8) have been determined to be pathogenic (internal data). This suggests that this is a clinically significant region of the protein, and that variants that disrupt it are likely to be disease-causing. For these reasons, this variant has been classified as Pathogenic.